The following is an entry in ClinVar:

ClinVar aggregate classification (germline): Pathogenic/Likely pathogenic. Review status: criteria provided, multiple submitters, no conflicts (2 of 4 stars). 6 submissions from 6 submitters: Pathogenic (4); Likely pathogenic (1). 1 of the submissions does not count toward it. Last evaluated 2025-07-06.

Conditions:
CACNA1A-related disorder. Also called: CACNA1A-related condition.
Episodic ataxia type 2 (EA2). Also called: ATAXIA, EPISODIC, WITH NYSTAGMUS; ATAXIA, FAMILIAL PAROXYSMAL; CEREBELLAR ATAXIA, PAROXYSMAL, ACETAZOLAMIDE-RESPONSIVE; CEREBELLOPATHY, HEREDITARY PAROXYSMAL; EPISODIC ATAXIA, NYSTAGMUS-ASSOCIATED; ACETAZOLAMIDE-RESPONSIVE HEREDITARY PAROXYSMAL CEREBELLAR ATAXIA. Identifiers: Orphanet 97, MedGen C1720416, MONDO:0007163, OMIM 108500.
Developmental and epileptic encephalopathy, 42 (DEE42A). Also called: Epileptic encephalopathy, early infantile, 42; DEVELOPMENTAL AND EPILEPTIC ENCEPHALOPATHY 42A; EPILEPTIC ENCEPHALOPATHY, EARLY INFANTILE, 42A. Identifiers: MedGen C4310716, MONDO:0014917, OMIM 617106.

gnomAD v4.1: 1 of 1,500,698 alleles (0.000067%); highest among the groups gnomAD compares: Non-Finnish European, 0.000089%; no homozygotes.

Submissions (6):

Labcorp Genetics (formerly Invitae), Labcorp
Classification: Pathogenic for Developmental and epileptic encephalopathy, 42; Episodic ataxia type 2. Last evaluated: 2025-07-06. Review status: criteria provided, single submitter. Criteria: Invitae Variant Classification Sherloc (09022015). Collection method: clinical testing. Allele origin: germline.
Comment: This sequence change creates a premature translational stop signal (p.Glu995*) in the CACNA1A gene. It is expected to result in an absent or disrupted protein product. Loss-of-function variants in CACNA1A are known to be pathogenic (PMID: 10371528, 19486177, 25735478, 27250579). This variant is not present in population databases (gnomAD no frequency). This premature translational stop signal has been observed in individual(s) with clinical features of CACNA1A-related conditions (PMID: 33121221). ClinVar contains an entry for this variant (Variation ID: 808474). For these reasons, this variant has been classified as Pathogenic.

GeneDx
Classification: Pathogenic. Last evaluated: 2024-03-06. Review status: criteria provided, single submitter. Criteria: GeneDx Variant Classification Process June 2021. Collection method: clinical testing. Allele origin: germline.
Comment: Identified in the heterozygous state in multiple related individuals with weakness and ataxia in published literature (PMID: 33121221); Nonsense variant predicted to result in protein truncation or nonsense mediated decay in a gene for which loss-of-function is a known mechanism of disease; Not observed at significant frequency in large population cohorts (gnomAD); This variant is associated with the following publications: (PMID: 33121221)

Greenwood Genetic Center Diagnostic Laboratories, Greenwood Genetic Center
Classification: Pathogenic for CACNA1A-related disorder. Last evaluated: 2024-01-19. Review status: criteria provided, single submitter. Criteria: ACMG Guidelines, 2015. Collection method: clinical testing. Allele origin: germline. Affected: yes.
Comment: PVS1, PS2, PS4_Supporting, PM2

CeGaT Center for Human Genetics Tuebingen
Classification: Likely pathogenic. Last evaluated: 2019-09-01. Review status: criteria provided, single submitter. Criteria: CeGaT Center For Human Genetics Tuebingen Variant Classification Criteria Version 2. Collection method: clinical testing. Allele origin: germline. Affected: yes. Observed: 5 variant alleles.

Solve-RD Consortium
Classification: Pathogenic for Episodic ataxia type 2. Review status: criteria provided, single submitter. Criteria: ACMG Guidelines, 2015. Collection method: provider interpretation. Allele origin: germline. Inheritance: Autosomal dominant inheritance. Affected: yes. Study: Solve-RD DIFT-EpiCARE reanalysis.
Comment: PVS1, PM2, PS4

Variant identified during reanalysis of unsolved cases by the Solve-RD project. The Solve-RD project has received funding from the European Union’s Horizon 2020 research and innovation programme under grant agreement No 779257.

Bioscientia Institut fuer Medizinische Diagnostik GmbH, Sonic Healthcare
Classification: Likely pathogenic for Episodic ataxia type 2. Last evaluated: 2019-08-06. Review status: no assertion criteria provided. Collection method: clinical testing. Allele origin: germline. Affected: yes. Not counted in ClinVar's aggregate classification.

Literature cited by the submitters: PubMed 10371528 (cited by Labcorp Genetics (formerly Invitae), Labcorp); PubMed 19486177 (cited by Labcorp Genetics (formerly Invitae), Labcorp); PubMed 25735478 (cited by Labcorp Genetics (formerly Invitae), Labcorp); PubMed 27250579 (cited by Labcorp Genetics (formerly Invitae), Labcorp); PubMed 33121221 (cited by Labcorp Genetics (formerly Invitae), Labcorp).

NM_001127222.2(CACNA1A):c.2980G>T (p.Glu994Ter)

Gene: CACNA1A (calcium voltage-gated channel subunit alpha1 A; minus strand). Cytogenetic location: 19p13.13.
Variant type: single nucleotide variant.
Coding change: c.2980G>T on transcript NM_001127222.2 (MANE Select); coding-DNA position 2980, G replaced by T.
Protein change: p.Glu994Ter; replaces glutamic acid 994 with a stop codon.
Molecular consequence: nonsense.
Genome position (GRCh38, 1-based): chr19:13,298,653, C>A on the plus strand (G>T on the coding strand, the complement: CACNA1A is on the minus strand). VCF-style: chr19-13298653-C-A. GRCh37 (hg19) VCF-style: chr19-13409467-C-A.
Other names: c.2992G>T, p.Glu998Ter (NM_000068.4, NM_023035.3); c.2983G>T, p.Glu995Ter (NM_001127221.2, NM_001174080.2); short protein forms E995*, E998*, E994*.
Identifiers: ClinVar variation 808474 (VCV000808474.50), dbSNP rs1600271575, ClinGen allele CA404342322.